The following is an entry in ClinVar:

NM_203447.4(DOCK8):c.2713A>T (p.Asn905Tyr)

Gene: DOCK8 (dedicator of cytokinesis 8; plus strand). Cytogenetic location: 9p24.3.
Variant type: single nucleotide variant.
Coding change: c.2713A>T on transcript NM_203447.4 (MANE Select); coding-DNA position 2713, A replaced by T.
Protein change: p.Asn905Tyr; replaces asparagine 905 with tyrosine.
Molecular consequence: missense variant.
Genome position (GRCh38, 1-based): chr9:382,620, A>T. VCF-style: chr9-382620-A-T. GRCh37 (hg19) VCF-style: chr9-382620-A-T.
Other names: c.2509A>T, p.Asn837Tyr (NM_001190458.2, NM_001193536.2); short protein forms N905Y, N837Y.
Identifiers: ClinVar variation 913093 (VCV000913093.5), dbSNP rs1407788035, ClinGen allele CA372765344.

ClinVar aggregate classification (germline): Uncertain significance. Review status: criteria provided, multiple submitters, no conflicts (2 of 4 stars). 2 submissions from 2 submitters: Uncertain significance (2). Last evaluated 2019-06-10.

Conditions:
Combined immunodeficiency due to DOCK8 deficiency (HIES2). Also called: HIES autosomal recessive; Hyper-IgE recurrent infection syndrome, autosomal recessive; HYPER-IgE SYNDROME 2, AUTOSOMAL RECESSIVE, WITH RECURRENT INFECTIONS; DOCK8 Deficiency; HYPER-IgE RECURRENT INFECTION SYNDROME 2, AUTOSOMAL RECESSIVE. Identifiers: Orphanet 217390, MedGen C4722305, MONDO:0009478, OMIM 243700.

Allele frequency attached by ClinVar (database versions not stated): TOPMed below 0.00001; gnomAD 0.00001; gnomAD exomes 0.00001.
gnomAD v4.1: 14 of 1,614,074 alleles (0.00087%); highest among the groups gnomAD compares: Middle Eastern, 0.033%; no homozygotes.

Submissions (2):

Labcorp Genetics (formerly Invitae), Labcorp
Classification: Uncertain significance for Hyper-Immunoglobulin E Syndrome, Autosomal Recessive. Last evaluated: 2019-06-10. Review status: criteria provided, single submitter. Criteria: Invitae Variant Classification Sherloc (09022015). Collection method: clinical testing. Allele origin: germline.
Comment: This sequence change replaces asparagine with tyrosine at codon 905 of the DOCK8 protein (p.Asn905Tyr). The asparagine residue is highly conserved and there is a large physicochemical difference between asparagine and tyrosine. This variant is not present in population databases (ExAC no frequency). This variant has not been reported in the literature in individuals with DOCK8-related conditions. Algorithms developed to predict the effect of missense changes on protein structure and function are either unavailable or do not agree on the potential impact of this missense change (SIFT: "Tolerated"; PolyPhen-2: "Possibly Damaging"; Align-GVGD: "Class C0"). In summary, the available evidence is currently insufficient to determine the role of this variant in disease. Therefore, it has been classified as a Variant of Uncertain Significance.

Illumina Laboratory Services, Illumina
Classification: Uncertain significance for Combined immunodeficiency due to DOCK8 deficiency. Last evaluated: 2018-01-13. Review status: criteria provided, single submitter. Criteria: ICSL Variant Classification Criteria 13 December 2019. Collection method: clinical testing. Allele origin: germline.